The following is an entry in ClinVar:

ClinVar aggregate classification (germline): Uncertain significance (1 of 4 stars; one submission).

Conditions:
Inborn genetic diseases. Identifiers: MedGen C0950123, MeSH D030342.

gnomAD v4.1: 1 of 1,602,346 alleles (0.000062%); highest among the groups gnomAD compares: Non-Finnish European, 0.000085%; no homozygotes.

Submission:

Ambry Genetics
Classification: Uncertain significance for Inborn genetic diseases. Last evaluated: 2025-09-20. Review status: criteria provided, single submitter. Criteria: Ambry Variant Classification Scheme 2023. Collection method: clinical testing. Allele origin: germline.
Comment: The p.E74K variant (also known as c.220G>A), located in coding exon 4 of the RECQL4 gene, results from a G to A substitution at nucleotide position 220. The glutamic acid at codon 74 is replaced by lysine, an amino acid with similar properties. This amino acid position is conserved. In addition, the in silico prediction for this alteration is inconclusive. Based on the available evidence, the clinical significance of this variant remains unclear.

NM_004260.4(RECQL4):c.220G>A (p.Glu74Lys)

Gene: RECQL4 (RecQ like helicase 4; minus strand). Cytogenetic location: 8q24.3.
Variant type: single nucleotide variant.
Coding change: c.220G>A on transcript NM_004260.4 (MANE Select); coding-DNA position 220, G replaced by A.
Protein change: p.Glu74Lys; replaces glutamic acid 74 with lysine.
Molecular consequence: missense variant. On other transcripts: 5 prime UTR variant (17), non-coding transcript variant (3).
Genome position (GRCh38, 1-based): chr8:144,517,184, C>T on the plus strand (G>A on the coding strand, the complement: RECQL4 is on the minus strand). VCF-style: chr8-144517184-C-T. GRCh37 (hg19) VCF-style: chr8-145742568-C-T.
Other names: c.-756G>A (NM_001413034.1); c.-749G>A (NM_001413035.1, NM_001413024.1); c.220G>A, p.Glu74Lys (NM_001413036.1, NM_001413039.1, NM_001413017.1 and 5 more transcripts); c.-852G>A (NM_001413037.1, NM_001413038.1, NM_001413040.1 and 3 more transcripts); c.-914G>A (NM_001413041.1, NM_001413027.1, NM_001413030.1 and 1 more transcripts); c.-1121G>A (NM_001413043.1); c.-501G>A (NM_001413021.1); c.91G>A, p.Glu31Lys (NM_001413025.1); and 2 more; short protein forms E31K, E74K.
Identifiers: ClinVar variation 4628927 (VCV004628927.1).